The following is an entry in ClinVar:

NM_032482.3(DOT1L):c.798C>T (p.Ile266=)

Gene: DOT1L (DOT1 like histone lysine methyltransferase; plus strand). Cytogenetic location: 19p13.3.
Variant type: single nucleotide variant.
Coding change: c.798C>T on transcript NM_032482.3 (MANE Select); coding-DNA position 798, C replaced by T.
Protein change: p.Ile266=; no amino-acid change (isoleucine 266 retained).
Molecular consequence: synonymous variant.
Genome position (GRCh38, 1-based): chr19:2,206,739, C>T. VCF-style: chr19-2206739-C-T. GRCh37 (hg19) VCF-style: chr19-2206738-C-T.
Other names: c.798C>T, p.Ile266= (NM_001411141.1).
Identifiers: ClinVar variation 2648960 (VCV002648960.24), dbSNP rs201441854, ClinGen allele CA9060268.

ClinVar aggregate classification (germline): Likely benign (1 of 4 stars; one submission).

Allele frequency attached by ClinVar (database versions not stated): ESP Exome Variant Server 0.00008; gnomAD 0.00009; TOPMed 0.00013.

Submission:

CeGaT Center for Human Genetics Tuebingen
Classification: Likely benign. Last evaluated: 2023-01-01. Review status: criteria provided, single submitter. Criteria: CeGaT Center For Human Genetics Tuebingen Variant Classification Criteria Version 2. Collection method: clinical testing. Allele origin: germline. Affected: yes. Observed: 1 variant allele.
Comment: DOT1L: BP4, BP7